The following is an entry in ClinVar:

NM_015021.3(ZNF292):c.2137C>T (p.Arg713Cys)

Gene: ZNF292 (zinc finger protein 292; plus strand). Cytogenetic location: 6q14.3.
Variant type: single nucleotide variant.
Coding change: c.2137C>T on transcript NM_015021.3 (MANE Select); coding-DNA position 2137, C replaced by T.
Protein change: p.Arg713Cys; replaces arginine 713 with cysteine.
Molecular consequence: missense variant.
Genome position (GRCh38, 1-based): chr6:87,255,766, C>T. VCF-style: chr6-87255766-C-T. GRCh37 (hg19) VCF-style: chr6-87965484-C-T.
Other names: c.1717C>T, p.Arg573Cys (NM_001351444.2); short protein forms R573C, R713C.
Identifiers: ClinVar variation 3376382 (VCV003376382.1).

ClinVar aggregate classification (germline): Uncertain significance (1 of 4 stars; one submission).

Conditions:
Intellectual developmental disorder, autosomal dominant 64. Also called: MENTAL RETARDATION, AUTOSOMAL DOMINANT 64. Identifiers: MedGen C5543067, MONDO:0030934, OMIM 619188.

gnomAD v4.1: 6 of 1,613,674 alleles (0.00037%); highest among the groups gnomAD compares: South Asian, 0.0022%; no homozygotes.

Submission:

Pittsburgh Clinical Genomics Laboratory, University of Pittsburgh Medical Center
Classification: Uncertain significance for Intellectual developmental disorder, autosomal dominant 64. Last evaluated: 2024-01-24. Review status: criteria provided, single submitter. Criteria: ACMG Guidelines, 2015. Collection method: clinical testing. Allele origin: germline. Inheritance: Autosomal dominant inheritance. Affected: yes.
Comment: This sequence variant is a single nucleotide substitution (C>T) at position 2137 of the coding sequence of the ZNF292 gene that results in an arginine to cysteine amino acid change at residue 713 of the zinc finger protein 292 protein. This variant is absent from ClinVar and has not been observed in an individual with a ZNF292-related disorder in the published literature, to our knowledge. This variant is present in 1 of 152150 alleles (0.0007%) in the gnomAD population dataset. Multiple bioinformatic tools predict that this arginine to cysteine amino acid change would be damaging, and the Arg713 residue at this position is highly conserved across the vertebrate species examined. Studies examining the functional consequence of this variant have not been published, to our knowledge. At this time, there is insufficient evidence to determine if this variant is pathogenic or benign. Therefore, we consider this a variant of uncertain significance. ACMG Criteria: PM2, PP3